The following is an entry in ClinVar:

ClinVar aggregate classification (germline): Uncertain significance. Review status: criteria provided, multiple submitters, no conflicts (2 of 4 stars). 2 submissions from 2 submitters: Uncertain significance (2). Last evaluated 2023-02-28.

Conditions:
Wilson-Turner syndrome (WTS). Also called: MENTAL RETARDATION, X-LINKED, SYNDROMIC 6; INTELLECTUAL DEVELOPMENTAL DISORDER, X-LINKED, SYNDROMIC, WILSON-TURNER TYPE. Identifiers: Orphanet 3459, MedGen C1839736, MONDO:0010665, OMIM 309585.

Submissions (2):

GeneDx
Classification: Uncertain significance. Last evaluated: 2023-02-28. Review status: criteria provided, single submitter. Criteria: GeneDx Variant Classification Process June 2021. Collection method: clinical testing. Allele origin: germline. Affected: yes.
Comment: Not observed at significant frequency in large population cohorts (gnomAD); In silico analysis suggests this variant may impact gene splicing. In the absence of RNA/functional studies, the actual effect of this sequence change is unknown.; Has not been previously published as pathogenic or benign to our knowledge

Labcorp Genetics (formerly Invitae), Labcorp
Classification: Uncertain significance for Wilson-Turner syndrome. Last evaluated: 2023-02-08. Review status: criteria provided, single submitter. Criteria: Invitae Variant Classification Sherloc (09022015). Collection method: clinical testing. Allele origin: germline.
Comment: This sequence change falls in intron 7 of the LAS1L gene. It does not directly change the encoded amino acid sequence of the LAS1L protein. This variant is not present in population databases (gnomAD no frequency). This variant has not been reported in the literature in individuals affected with LAS1L-related conditions. Algorithms developed to predict the effect of sequence changes on RNA splicing suggest that this variant may create or strengthen a splice site. In summary, the available evidence is currently insufficient to determine the role of this variant in disease. Therefore, it has been classified as a Variant of Uncertain Significance.

NM_031206.7(LAS1L):c.942_956+6dup

Gene: LAS1L (LAS1 like ribosome biogenesis factor; minus strand). Cytogenetic location: Xq12.
Variant type: Duplication.
Coding change: c.942_956+6dup on transcript NM_031206.7 (MANE Select); coding-DNA position 942 through 6 bases into the intron after coding-DNA position 956, 21 bases duplicated (TACATGCGAGAACAGGTGTGT).
Molecular consequence: splice donor variant. On other transcripts: intron variant (1).
Genome position (GRCh38, 1-based): chrX:65,528,254-65,528,274, ACACACCTGTTCTCGCATGTA duplicated on the plus strand (TACATGCGAGAACAGGTGTGT on the coding strand, the reverse complement: LAS1L is on the minus strand); duplicating any 21 consecutive bases within chrX:65,528,254-65,528,276 gives the same sequence; the c. name uses the placement nearest the transcript's 3' end. VCF-style (leftmost placement, unchanged base first): chrX-65528253-T-TACACACCTGTTCTCGCATGTA. GRCh37 (hg19) VCF-style: chrX-64748133-T-TACACACCTGTTCTCGCATGTA.
Other names: c.816_830+6dup (NM_001170650.2); c.50+938_50+958dup (NM_001375332.1); c.942_956+6dup (NM_001375333.1, NM_001170649.2, NM_001375328.1 and 8 more transcripts).
Identifiers: ClinVar variation 2578252 (VCV002578252.4), dbSNP rs2522633031, ClinGen allele CA2580617606.